The following is an entry in ClinVar:

ClinVar aggregate classification (germline): Uncertain significance (1 of 4 stars; one submission).

Conditions:
TTN-related disorder. Also called: TTN-related disorders; TTN-related condition; TTN-related disease.

gnomAD v4.1: 8 of 1,573,926 alleles (0.00051%); highest among the groups gnomAD compares: Admixed American, 0.013%; 1 homozygote.

Submission:

PreventionGenetics, part of Exact Sciences
Classification: Uncertain significance for TTN-related condition. Last evaluated: 2025-07-09. Review status: criteria provided, single submitter. Criteria: ACMG Guidelines, 2015. Collection method: clinical testing. Allele origin: germline.
Comment: The TTN c.36646G>C variant is predicted to result in the amino acid substitution p.Glu12216Gln. To our knowledge, this variant has not been reported in the literature. This variant is reported in 0.019% of alleles in individuals of Latino descent in gnomAD. At this time, the clinical significance of this variant is uncertain due to the absence of conclusive functional and genetic evidence.

NM_001267550.2(TTN):c.36646G>C (p.Glu12216Gln)

Gene: TTN (titin; minus strand). Cytogenetic location: 2q31.2.
Variant type: single nucleotide variant.
Coding change: c.36646G>C on transcript NM_001267550.2 (MANE Select); coding-DNA position 36646, G replaced by C.
Protein change: p.Glu12216Gln; replaces glutamic acid 12216 with glutamine.
Molecular consequence: missense variant. On other transcripts: intron variant (5).
Genome position (GRCh38, 1-based): chr2:178,663,320, C>G on the plus strand (G>C on the coding strand, the complement: TTN is on the minus strand). VCF-style: chr2-178663320-C-G. GRCh37 (hg19) VCF-style: chr2-179528047-C-G.
Other names: c.13283-21003G>C (NM_003319.4); c.13859-21003G>C (NM_133437.4); c.13658-21003G>C (NM_133432.3); c.31484-265G>C (NM_133378.4); c.34265-265G>C (NM_001256850.1); short protein forms E12216Q.
Identifiers: ClinVar variation 4981409 (VCV004981409.1).